The following is an entry in ClinVar:

ClinVar aggregate classification (germline): Likely pathogenic (1 of 4 stars; one submission).

Conditions:
Sifrim-Hitz-Weiss syndrome (SIHIWES). Also called: CHD4 Neurodevelopmental Disorder; SIFRIM-HITZ-WEISS MULTIPLE CONGENITAL ANOMALIES-MENTAL RETARDATION SYNDROME. Identifiers: Orphanet 653712, MedGen C4310688, MONDO:0014946, OMIM 617159.

Submission:

Human Genetics Bochum, Ruhr University Bochum
Classification: Likely pathogenic for Sifrim-Hitz-Weiss syndrome. Last evaluated: 2025-08-08. Review status: criteria provided, single submitter. Criteria: ACMG Guidelines, 2015. Collection method: clinical testing. Allele origin: germline. Affected: yes.
Comment: de novo; ACMG criteria used to clasify this variant: PS2, PVS1_MOD, PM2_SUP

NM_001273.5(CHD4):c.4147+2T>A

Genes: CHD4 (chromodomain helicase DNA binding protein 4; minus strand), CHD4-AS1 (CHD4 antisense RNA 1; plus strand). Cytogenetic location: 12p13.31.
Variant type: single nucleotide variant.
Coding change: c.4147+2T>A on transcript NM_001273.5 (MANE Select); the canonical splice donor site of the intron after coding-DNA position 4147, T replaced by A.
Molecular consequence: splice donor variant. On other transcripts: non-coding transcript variant (2).
Genome position (GRCh38, 1-based): chr12:6,583,025, A>T on the plus strand (T>A on the coding strand, the complement: CHD4 is on the minus strand). VCF-style: chr12-6583025-A-T. GRCh37 (hg19) VCF-style: chr12-6692191-A-T.
Other names: c.4108+2T>A (NM_001363606.2); c.4126+2T>A (NM_001297553.2).
Identifiers: ClinVar variation 4687942 (VCV004687942.1).